The following is an entry in ClinVar:

NM_004304.5(ALK):c.4402G>C (p.Gly1468Arg)

Gene: ALK (ALK receptor tyrosine kinase; minus strand). Cytogenetic location: 2p23.2.
Variant type: single nucleotide variant.
Coding change: c.4402G>C on transcript NM_004304.5 (MANE Select); coding-DNA position 4402, G replaced by C.
Protein change: p.Gly1468Arg; replaces glycine 1468 with arginine.
Molecular consequence: missense variant.
Genome position (GRCh38, 1-based): chr2:29,193,685, C>G on the plus strand (G>C on the coding strand, the complement: ALK is on the minus strand). VCF-style: chr2-29193685-C-G. GRCh37 (hg19) VCF-style: chr2-29416551-C-G.
Other names: c.1198G>C, p.Gly400Arg (NM_001353765.2); short protein forms G1468R, G400R.
Identifiers: ClinVar variation 3223903 (VCV003223903.1), dbSNP rs1668944978, ClinGen allele CA346462217.

ClinVar aggregate classification (germline): Uncertain significance (1 of 4 stars; one submission).

Conditions:
Hereditary cancer-predisposing syndrome. Also called: Tumor predisposition; Hereditary neoplastic syndrome; Hereditary Cancer Syndrome; Neoplastic Syndromes, Hereditary. Identifiers: Orphanet 140162, MedGen C0027672, MeSH D009386, MONDO:0015356.

Allele frequency attached by ClinVar (database versions not stated): gnomAD 0.00001.
gnomAD v4.1: 9 of 1,613,646 alleles (0.00056%); highest among the groups gnomAD compares: South Asian, 0.0077%; no homozygotes.

Submission:

Ambry Genetics
Classification: Uncertain significance for Hereditary cancer-predisposing syndrome. Last evaluated: 2023-09-28. Review status: criteria provided, single submitter. Criteria: Ambry Variant Classification Scheme 2023. Collection method: clinical testing. Allele origin: germline.
Comment: The p.G1468R variant (also known as c.4402G>C), located in coding exon 29 of the ALK gene, results from a G to C substitution at nucleotide position 4402. The glycine at codon 1468 is replaced by arginine, an amino acid with dissimilar properties. This amino acid position is conserved. In addition, this alteration is predicted to be tolerated by in silico analysis. Since supporting evidence is limited at this time, the clinical significance of this alteration remains unclear.